The following is an entry in ClinVar:

ClinVar aggregate classification (germline): Conflicting classifications of pathogenicity. Review status: criteria provided, conflicting classifications (1 of 4 stars). 2 submissions from 2 submitters: Uncertain significance (1); Likely benign (1). Last evaluated 2026-09-01.

Conditions:
Familial melanoma. Also called: Hereditary melanoma; Hereditary cutaneous melanoma. Identifiers: Orphanet 618, MedGen C1512419, MONDO:0018961.
Hereditary cancer-predisposing syndrome. Also called: Neoplastic Syndromes, Hereditary; Hereditary Cancer Syndrome; Hereditary neoplastic syndrome; Tumor predisposition. Identifiers: Orphanet 140162, MedGen C0027672, MeSH D009386, MONDO:0015356.

Submissions (2):

Ambry Genetics
Classification: Uncertain significance for Hereditary cancer-predisposing syndrome. Last evaluated: 2026-09-01. Review status: criteria provided, single submitter. Criteria: Ambry Variant Classification Scheme 2023. Collection method: clinical testing. Allele origin: germline.
Comment: The c.225C>A variant (also known as p.P75P), located in coding exon 2 of the CDKN2A gene, results from a C to A substitution at nucleotide position 225. This nucleotide substitution does not change the amino acid at codon 75. Of note, this alteration is also known as p.R90S (c.268C>A) is the p14(ARF) isoform and results from a arginine to serine substitution at amino acid position 90. The evidence supporting a relationship between p14(ARF) and melanoma-pancreatic cancer syndrome is limited; therefore, the association of this variant with this gene-disease relationship is unknown. However, the association of this variant in the p16 isoform with melanoma-pancreatic cancer syndrome is unlikely.

Labcorp Genetics (formerly Invitae), Labcorp
Classification: Likely benign for Familial melanoma. Last evaluated: 2022-12-01. Review status: criteria provided, single submitter. Criteria: Invitae Variant Classification Sherloc (09022015). Collection method: clinical testing. Allele origin: germline.

NM_000077.5(CDKN2A):c.225C>A (p.Pro75=)

Gene: CDKN2A (cyclin dependent kinase inhibitor 2A; minus strand). Cytogenetic location: 9p21.3.
Variant type: single nucleotide variant.
Coding change: c.225C>A on transcript NM_000077.5; coding-DNA position 225, C replaced by A.
Protein change: p.Pro75=; no amino-acid change (proline 75 retained).
Molecular consequence: synonymous variant (on NM_000077.6). On other transcripts: missense variant (1), 3 prime UTR variant (1).
Genome position (GRCh38, 1-based): chr9:21,971,134, G>T on the plus strand (C>A on the coding strand, the complement: CDKN2A is on the minus strand). VCF-style: chr9-21971134-G-T. GRCh37 (hg19) VCF-style: chr9-21971133-G-T.
Other names: c.225C>A, p.Pro75= (NM_000077.6, NM_001195132.2); c.72C>A, p.Pro24= (NM_001363763.2); c.268C>A, p.Arg90Ser (NM_058195.4); c.*148C>A (NM_058197.5); short protein forms R90S.
Identifiers: ClinVar variation 577829 (VCV000577829.11), dbSNP rs762397298, ClinGen allele CA373086290.